The following is an entry in ClinVar:

ClinVar aggregate classification (germline): Uncertain significance (1 of 4 stars; one submission).

Conditions:
Bardet-Biedl syndrome (BBS). Identifiers: Orphanet 110, MedGen C0752166, MONDO:0015229.

Allele frequency attached by ClinVar (database versions not stated): gnomAD exomes below 0.00001.
gnomAD v4.1: 1 of 1,614,114 alleles (0.000062%); highest among the groups gnomAD compares: Non-Finnish European, 0.000085%; no homozygotes.

Submission:

Labcorp Genetics (formerly Invitae), Labcorp
Classification: Uncertain significance for Bardet-Biedl syndrome. Last evaluated: 2022-04-29. Review status: criteria provided, single submitter. Criteria: Invitae Variant Classification Sherloc (09022015). Collection method: clinical testing. Allele origin: germline.
Comment: In summary, the available evidence is currently insufficient to determine the role of this variant in disease. Therefore, it has been classified as a Variant of Uncertain Significance. Algorithms developed to predict the effect of missense changes on protein structure and function are either unavailable or do not agree on the potential impact of this missense change (SIFT: "Tolerated"; PolyPhen-2: "Possibly Damaging"; Align-GVGD: "Class C0"). This variant has not been reported in the literature in individuals affected with TTC8-related conditions. This variant is not present in population databases (gnomAD no frequency). This sequence change replaces histidine, which is basic and polar, with arginine, which is basic and polar, at codon 395 of the TTC8 protein (p.His395Arg).

NM_144596.4(TTC8):c.1214A>G (p.His405Arg)

Gene: TTC8 (tetratricopeptide repeat domain 8; plus strand). Cytogenetic location: 14q31.3.
Variant type: single nucleotide variant.
Coding change: c.1214A>G on transcript NM_144596.4 (MANE Select); coding-DNA position 1214, A replaced by G.
Protein change: p.His405Arg; replaces histidine 405 with arginine.
Molecular consequence: missense variant. On other transcripts: non-coding transcript variant (1).
Genome position (GRCh38, 1-based): chr14:88,871,713, A>G. VCF-style: chr14-88871713-A-G. GRCh37 (hg19) VCF-style: chr14-89338057-A-G.
Other names: c.1262A>G, p.His421Arg (NM_001288781.1); c.620A>G, p.His207Arg (NM_001288782.1); c.497A>G, p.His166Arg (NM_001288783.1); c.1184A>G, p.His395Arg (NM_001366535.2, NM_198309.3); c.1094A>G, p.His365Arg (NM_001366536.2, NM_198310.3); short protein forms H207R, H166R, H365R, H395R, H405R, H421R.
Identifiers: ClinVar variation 2125809 (VCV002125809.4), dbSNP rs2546235199, ClinGen allele CA390552451.